The following is an entry in ClinVar:

NM_015374.3(SUN2):c.992T>C (p.Leu331Pro)

Genes: GTPBP1 (GTP binding protein 1; plus strand), SUN2 (Sad1 and UNC84 domain containing 2; minus strand). Cytogenetic location: 22q13.1.
Variant type: single nucleotide variant.
Coding change: c.992T>C on transcript NM_015374.3 (MANE Select); coding-DNA position 992, T replaced by C.
Protein change: p.Leu331Pro; replaces leucine 331 with proline.
Molecular consequence: missense variant. On other transcripts: intron variant (3).
Genome position (GRCh38, 1-based): chr22:38,742,377, A>G on the plus strand (T>C on the coding strand, the complement: SUN2 is on the minus strand). VCF-style: chr22-38742377-A-G. GRCh37 (hg19) VCF-style: chr22-39138382-A-G.
Other names: c.1055T>C, p.Leu352Pro (NM_001199579.2, NM_001394428.1); c.992T>C, p.Leu331Pro (NM_001199580.2, NM_001394431.1, NM_001394432.1 and 5 more transcripts); c.1085T>C, p.Leu362Pro (NM_001394427.1); c.1037T>C, p.Leu346Pro (NM_001394429.1, NM_001394430.1); c.902T>C, p.Leu301Pro (NM_001394438.1); c.854T>C, p.Leu285Pro (NM_001394439.1, NM_001394440.1, NM_001394441.1); c.500T>C, p.Leu167Pro (NM_001394443.1); c.615-1945T>C (NM_001394444.1, NM_001394445.1); and 1 more; short protein forms L167P, L285P, L346P, L301P, L331P, L362P, L352P.
Identifiers: ClinVar variation 2871478 (VCV002871478.3), dbSNP rs1333572359, ClinGen allele CA411585301.

ClinVar aggregate classification (germline): Uncertain significance (1 of 4 stars; one submission).

Conditions:
Emery-Dreifuss muscular dystrophy (EDMD). Also called: Scapuloperoneal syndrome, X-linked (formerly); Humeroperoneal neuromuscular disease, (formerly). Identifiers: Orphanet 261, MedGen C0410189, MONDO:0016830.

Submission:

Labcorp Genetics (formerly Invitae), Labcorp
Classification: Uncertain significance for Emery-Dreifuss muscular dystrophy. Last evaluated: 2023-06-23. Review status: criteria provided, single submitter. Criteria: Invitae Variant Classification Sherloc (09022015). Collection method: clinical testing. Allele origin: germline.
Comment: This sequence change replaces leucine, which is neutral and non-polar, with proline, which is neutral and non-polar, at codon 331 of the SUN2 protein (p.Leu331Pro). This variant is not present in population databases (gnomAD no frequency). This variant has not been reported in the literature in individuals affected with SUN2-related conditions. An algorithm developed to predict the effect of missense changes on protein structure and function (PolyPhen-2) suggests that this variant is likely to be disruptive. In summary, the available evidence is currently insufficient to determine the role of this variant in disease. Therefore, it has been classified as a Variant of Uncertain Significance.